The following is an entry in ClinVar:

ClinVar aggregate classification (germline): Likely benign. Review status: criteria provided, single submitter (1 of 4 stars). 2 submissions from 2 submitters: Likely benign (1). 1 of the submissions does not count toward it. Last evaluated 2024-11-14.

Conditions:
NF1-related disorder. Also called: NF1-related condition. Identifiers: MedGen CN379171.

Submissions (2):

Blueprint Genetics
Classification: Likely benign. Last evaluated: 2024-11-14. Review status: criteria provided, single submitter. Criteria: ACMG Guidelines, 2015. Collection method: clinical testing. Allele origin: germline.

PreventionGenetics, part of Exact Sciences
Classification: Likely benign for NF1-related condition. Last evaluated: 2020-10-26. Review status: no assertion criteria provided. Collection method: clinical testing. Allele origin: germline. Not counted in ClinVar's aggregate classification.
Comment: This variant is classified as likely benign based on ACMG/AMP sequence variant interpretation guidelines (Richards et al. 2015 PMID: 25741868, with internal and published modifications).

NM_001042492.3(NF1):c.3198-14_3198-4del

Gene: NF1 (neurofibromin 1; plus strand). Cytogenetic location: 17q11.2.
Variant type: Deletion.
Coding change: c.3198-14_3198-4del on transcript NM_001042492.3 (MANE Select); 14 bases into the intron before coding-DNA position 3198 through 4 bases into the intron before coding-DNA position 3198, 11 bases deleted (TTTTTTTTTTT).
Molecular consequence: intron variant.
Genome position (GRCh38, 1-based): chr17:31,232,059-31,232,069, TTTTTTTTTTT deleted; deleting any 11 consecutive bases within chr17:31,232,044-31,232,069 gives the same sequence; the c. name uses the placement nearest the transcript's 3' end. VCF-style (leftmost placement, unchanged base first): chr17-31232043-ATTTTTTTTTTT-A. GRCh37 (hg19) VCF-style: chr17-29559061-ATTTTTTTTTTT-A.
Other names: c.3198-14_3198-4del (NM_000267.4).
Identifiers: ClinVar variation 3032596 (VCV003032596.3), dbSNP rs371047262, ClinGen allele CA728034458.